The following is an entry in ClinVar:

NM_032444.4(SLX4):c.3365C>T (p.Pro1122Leu)

Gene: SLX4 (SLX4 structure-specific endonuclease subunit; minus strand). Cytogenetic location: 16p13.3.
Variant type: single nucleotide variant.
Coding change: c.3365C>T on transcript NM_032444.4 (MANE Select); coding-DNA position 3365, C replaced by T.
Protein change: p.Pro1122Leu; replaces proline 1122 with leucine.
Molecular consequence: missense variant.
Genome position (GRCh38, 1-based): chr16:3,590,273, G>A on the plus strand (C>T on the coding strand, the complement: SLX4 is on the minus strand). VCF-style: chr16-3590273-G-A. GRCh37 (hg19) VCF-style: chr16-3640274-G-A.
Other names: c.3365C>T (LRG_503t1); short protein forms P1122L.
Identifiers: ClinVar variation 262047 (VCV000262047.31), dbSNP rs714181, ClinGen allele CA7865933.

ClinVar aggregate classification (germline): Benign/Likely benign. Review status: criteria provided, multiple submitters, no conflicts (2 of 4 stars). 11 submissions from 11 submitters: Benign (9); Likely benign (1). 1 of the submissions does not count toward it. Last evaluated 2026-02-04.

Conditions:
Fanconi anemia (FA). Also called: Fanconi's anemia. Identifiers: Orphanet 84, MedGen C0015625, MeSH D005199, MONDO:0019391.
Fanconi anemia complementation group P. Also called: SLX4-Related Fanconi Anemia. Identifiers: Orphanet 84, MedGen C3469542, MONDO:0013499, OMIM 613951.

Allele frequency attached by ClinVar (database versions not stated): gnomAD exomes 0.12531; ExAC 0.13473; gnomAD 0.20077 and 0.20566; ESP Exome Variant Server 0.21164; TOPMed 0.21507; 1000 Genomes Project 0.23962; 1000 Genomes Project 30x 0.24828.

Submissions (11):

Labcorp Genetics (formerly Invitae), Labcorp
Classification: Benign for Fanconi anemia. Last evaluated: 2026-02-04. Review status: criteria provided, single submitter. Criteria: Invitae Variant Classification Sherloc (09022015). Collection method: clinical testing. Allele origin: germline.

ARUP Laboratories, Molecular Genetics and Genomics, ARUP Laboratories
Classification: Benign for Fanconi anemia complementation group P. Last evaluated: 2025-07-02. Review status: criteria provided, single submitter. Criteria: ARUP Molecular Germline Variant Investigation Process 2024. Collection method: clinical testing. Allele origin: germline.

Blueprint Genetics
Classification: Likely benign. Last evaluated: 2024-11-27. Review status: criteria provided, single submitter. Criteria: ACMG Guidelines, 2015. Collection method: clinical testing. Allele origin: germline.

KCCC/NGS Laboratory, Kuwait Cancer Control Center
Classification: Benign for Fanconi anemia complementation group P. Last evaluated: 2023-07-07. Review status: criteria provided, single submitter. Criteria: ACMG Guidelines, 2015. Collection method: clinical testing. Allele origin: germline. Affected: yes.

Mayo Clinic Laboratories, Mayo Clinic
Classification: Benign. Last evaluated: 2022-09-08. Review status: criteria provided, single submitter. Criteria: ACMG Guidelines, 2015. Collection method: clinical testing. Allele origin: germline. Observed: 6 variant alleles.

GeneDx
Classification: Benign. Last evaluated: 2019-02-25. Review status: criteria provided, single submitter. Criteria: GeneDx Variant Classification (06012015). Collection method: clinical testing. Allele origin: germline. Affected: yes.

Illumina Laboratory Services, Illumina
Classification: Benign for Fanconi anemia complementation group P. Last evaluated: 2018-01-12. Review status: criteria provided, single submitter. Criteria: ICSL Variant Classification Criteria 13 December 2019. Collection method: clinical testing. Allele origin: germline.
Comment: This variant was observed in the ICSL laboratory as part of a predisposition screen in an ostensibly healthy population. It had not been previously curated by ICSL or reported in the Human Gene Mutation Database (HGMD: prior to June 1st, 2018), and was therefore a candidate for classification through an automated scoring system. Utilizing variant allele frequency, disease prevalence and penetrance estimates, and inheritance mode, an automated score was calculated to assess if this variant is too frequent to cause the disease. Based on the score and internal cut-off values, a variant classified as benign is not then subjected to further curation. The score for this variant resulted in a classification of benign for this disease.

IntelligeneCG
Classification: Benign for Fanconi anemia complementation group P. Last evaluated: 2017-08-18. Review status: criteria provided, single submitter. Criteria: ACMG Guidelines, 2015. Collection method: clinical testing. Allele origin: germline. Affected: no.

Breakthrough Genomics
Classification: Benign. Review status: criteria provided, single submitter. Criteria: ACMG Guidelines, 2015. Collection method: not provided. Allele origin: germline. Inheritance: Autosomal recessive inheritance. Affected: yes.

PreventionGenetics, part of Exact Sciences
Classification: Benign. Review status: criteria provided, single submitter. Criteria: ACMG Guidelines, 2015. Collection method: clinical testing. Allele origin: germline.

Leiden Open Variation Database
Classification: Likely benign. Last evaluated: 2012-08-31. Review status: no assertion criteria provided. Collection method: curation. Allele origin: germline. Affected: yes. Not counted in ClinVar's aggregate classification.
Comment: Curator: Arleen D. Auerbach. Submitter to LOVD: Janine Bakker.

Literature cited by the submitters: PubMed 22911665 (cited by Leiden Open Variation Database).